The following is an entry in ClinVar:

NM_003072.5(SMARCA4):c.322C>G (p.Pro108Ala)

Gene: SMARCA4 (SWI/SNF related BAF chromatin remodeling complex subunit ATPase 4; plus strand). Cytogenetic location: 19p13.2.
Variant type: single nucleotide variant.
Coding change: c.322C>G on transcript NM_003072.5 (MANE Select); coding-DNA position 322, C replaced by G.
Protein change: p.Pro108Ala; replaces proline 108 with alanine.
Molecular consequence: missense variant. On other transcripts: non-coding transcript variant (1).
Genome position (GRCh38, 1-based): chr19:10,985,372, C>G. VCF-style: chr19-10985372-C-G. GRCh37 (hg19) VCF-style: chr19-11096048-C-G.
Other names: c.322C>G, p.Pro108Ala (NM_001128844.3, NM_001128845.2, NM_001128846.2 and 6 more transcripts); short protein forms P108A.
Identifiers: ClinVar variation 3636824 (VCV003636824.2).
Genomic context (GRCh38, chr19:10,985,372, plus strand): 5'-CCGCGCTACAACCAGATGAAAGGAATGGGGATGCGGTCAGGGGGCCATGCTGGGATGGGG[C>G]CCCCGCCCAGCCCCATGGACCAGCACTCCCAAGGTACAGAACTGCGTTCCTTCCTGCCTT-3'
Protein context (NP_003063.2, residues 98-118): MRSGGHAGMG[Pro108Ala]PPSPMDQHSQ

ClinVar aggregate classification (germline): Uncertain significance (1 of 4 stars; one submission).

Conditions:
Rhabdoid tumor predisposition syndrome 2 (RTPS2). Identifiers: Orphanet 231108, Orphanet 69077, MedGen C2750074, MONDO:0013224, OMIM 613325.

Submission:

Labcorp Genetics (formerly Invitae), Labcorp
Classification: Uncertain significance for Rhabdoid tumor predisposition syndrome 2. Last evaluated: 2024-08-13. Review status: criteria provided, single submitter. Criteria: Invitae Variant Classification Sherloc (09022015). Collection method: clinical testing. Allele origin: germline.
Comment: This sequence change replaces proline, which is neutral and non-polar, with alanine, which is neutral and non-polar, at codon 108 of the SMARCA4 protein (p.Pro108Ala). This variant is not present in population databases (gnomAD no frequency). This variant has not been reported in the literature in individuals affected with SMARCA4-related conditions. Advanced modeling of protein sequence and biophysical properties (such as structural, functional, and spatial information, amino acid conservation, physicochemical variation, residue mobility, and thermodynamic stability) has been performed at Invitae for this missense variant, however the output from this modeling did not meet the statistical confidence thresholds required to predict the impact of this variant on SMARCA4 protein function. In summary, the available evidence is currently insufficient to determine the role of this variant in disease. Therefore, it has been classified as a Variant of Uncertain Significance.